The following is an entry in ClinVar:

ClinVar aggregate classification (germline): Uncertain significance (1 of 4 stars; one submission).

Conditions:
Hereditary cancer-predisposing syndrome. Also called: Neoplastic Syndromes, Hereditary; Tumor predisposition; Hereditary Cancer Syndrome; Hereditary neoplastic syndrome. Identifiers: Orphanet 140162, MedGen C0027672, MeSH D009386, MONDO:0015356.

Submission:

Ambry Genetics
Classification: Uncertain significance for Hereditary cancer-predisposing syndrome. Last evaluated: 2025-12-02. Review status: criteria provided, single submitter. Criteria: Ambry Variant Classification Scheme 2023. Collection method: clinical testing. Allele origin: germline.
Comment: The p.Y1029H variant (also known as c.3085T>C), located in coding exon 15 of the BLM gene, results from a T to C substitution at nucleotide position 3085. The tyrosine at codon 1029 is replaced by histidine, an amino acid with similar properties. This amino acid position is conserved. In addition, the in silico prediction for this alteration is inconclusive. Based on the available evidence, the clinical significance of this variant remains unclear.

NM_000057.4(BLM):c.3085T>C (p.Tyr1029His)

Gene: BLM (BLM RecQ like helicase; plus strand). Cytogenetic location: 15q26.1.
Variant type: single nucleotide variant.
Coding change: c.3085T>C on transcript NM_000057.4 (MANE Select); coding-DNA position 3085, T replaced by C.
Protein change: p.Tyr1029His; replaces tyrosine 1029 with histidine.
Molecular consequence: missense variant.
Genome position (GRCh38, 1-based): chr15:90,794,232, T>C. VCF-style: chr15-90794232-T-C. GRCh37 (hg19) VCF-style: chr15-91337462-T-C.
Other names: c.3085T>C, p.Tyr1029His (NM_001287246.2, NM_001287247.2); c.1960T>C, p.Tyr654His (NM_001287248.2); short protein forms Y1029H, Y654H.
Identifiers: ClinVar variation 4622870 (VCV004622870.1).
Genomic context (GRCh38, chr15:90,794,232, plus strand): 5'-AAAGATGGAAACCATCATACAAGAGAAACTCACTTCAATAATTTGTATAGCATGGTACAT[T>C]ACTGTGAAAATATAACGGAATGCAGGAGAATACAGCTTTTGGCCTACTTTGGTGAAAATG-3'
Protein context (NP_000048.1, residues 1019-1039): HFNNLYSMVH[Tyr1029His]CENITECRRI